The following is an entry in ClinVar:

NM_198506.5(LRIT3):c.1144G>A (p.Ala382Thr)

Gene: LRIT3 (leucine rich repeat, Ig-like and transmembrane domains 3; plus strand). Cytogenetic location: 4q25.
Variant type: single nucleotide variant.
Coding change: c.1144G>A on transcript NM_198506.5 (MANE Select); coding-DNA position 1144, G replaced by A.
Protein change: p.Ala382Thr; replaces alanine 382 with threonine.
Molecular consequence: missense variant.
Genome position (GRCh38, 1-based): chr4:109,869,893, G>A. VCF-style: chr4-109869893-G-A. GRCh37 (hg19) VCF-style: chr4-110791049-G-A.
Other names: c.1009G>A (NM_198506.2); short protein forms A382T.
Identifiers: ClinVar variation 1524040 (VCV001524040.7), dbSNP rs761341365, ClinGen allele CA3043140.

ClinVar aggregate classification (germline): Conflicting classifications of pathogenicity. Review status: criteria provided, conflicting classifications (1 of 4 stars). 2 submissions from 2 submitters: Uncertain significance (1); Likely benign (1). Last evaluated 2025-11-11.

Conditions:
Inborn genetic diseases. Identifiers: MedGen C0950123, MeSH D030342.

Allele frequency attached by ClinVar (database versions not stated): gnomAD 0.00001 and 0.00002; ExAC 0.00002; TOPMed 0.00003; gnomAD exomes 0.00005.
gnomAD v4.1: 48 of 1,613,994 alleles (0.003%); highest among the groups gnomAD compares: Admixed American, 0.012%; no homozygotes.

Submissions (2):

Labcorp Genetics (formerly Invitae), Labcorp
Classification: Uncertain significance. Last evaluated: 2025-11-11. Review status: criteria provided, single submitter. Criteria: Invitae Variant Classification Sherloc (09022015). Collection method: clinical testing. Allele origin: germline.
Comment: This sequence change replaces alanine, which is neutral and non-polar, with threonine, which is neutral and polar, at codon 382 of the LRIT3 protein (p.Ala382Thr). This variant is present in population databases (rs761341365, gnomAD 0.02%). This variant has not been reported in the literature in individuals affected with LRIT3-related conditions. ClinVar contains an entry for this variant (Variation ID: 1524040). An algorithm developed to predict the effect of missense changes on protein structure and function outputs the following: PolyPhen-2: "Benign". The threonine amino acid residue is found in multiple mammalian species, which suggests that this missense change does not adversely affect protein function. In summary, the available evidence is currently insufficient to determine the role of this variant in disease. Therefore, it has been classified as a Variant of Uncertain Significance.

Ambry Genetics
Classification: Likely benign for Inborn genetic diseases. Last evaluated: 2023-12-26. Review status: criteria provided, single submitter. Criteria: Ambry Variant Classification Scheme 2023. Collection method: clinical testing. Allele origin: germline.